The following is an entry in ClinVar:

ClinVar aggregate classification (germline): Uncertain significance (1 of 4 stars; one submission).

Conditions:
Gorlin syndrome. Also called: Nevoid Basal Cell Carcinoma Syndrome; Basal cell nevus syndrome. Identifiers: Orphanet 377, MedGen C0004779, MONDO:0007187.
Medulloblastoma (MDB). Also called: MEDULLOBLASTOMA PREDISPOSITION SYNDROME; Medulloblastoma, somatic. Identifiers: Orphanet 616, MedGen C0025149, MeSH D008527, MONDO:0007959, OMIM 155255, HP:0002885.

gnomAD v4.1: 1 of 1,614,060 alleles (0.000062%); no homozygotes.

Submission:

Labcorp Genetics (formerly Invitae), Labcorp
Classification: Uncertain significance for Gorlin syndrome; Medulloblastoma. Last evaluated: 2025-10-11. Review status: criteria provided, single submitter. Criteria: Invitae Variant Classification Sherloc (09022015). Collection method: clinical testing. Allele origin: germline.
Comment: This sequence change replaces asparagine, which is neutral and polar, with aspartic acid, which is acidic and polar, at codon 374 of the SUFU protein (p.Asn374Asp). This variant is not present in population databases (gnomAD no frequency). This variant has not been reported in the literature in individuals affected with SUFU-related conditions. ClinVar contains an entry for this variant (Variation ID: 1417929). Invitae Evidence Modeling of protein sequence and biophysical properties (such as structural, functional, and spatial information, amino acid conservation, physicochemical variation, residue mobility, and thermodynamic stability) indicates that this missense variant is not expected to disrupt SUFU protein function with a negative predictive value of 80%. In summary, the available evidence is currently insufficient to determine the role of this variant in disease. Therefore, it has been classified as a Variant of Uncertain Significance.

NM_016169.4(SUFU):c.1120A>G (p.Asn374Asp)

Gene: SUFU (SUFU negative regulator of hedgehog signaling; plus strand). Cytogenetic location: 10q24.32.
Variant type: single nucleotide variant.
Coding change: c.1120A>G on transcript NM_016169.4 (MANE Select); coding-DNA position 1120, A replaced by G.
Protein change: p.Asn374Asp; replaces asparagine 374 with aspartic acid.
Molecular consequence: missense variant.
Genome position (GRCh38, 1-based): chr10:102,615,365, A>G. VCF-style: chr10-102615365-A-G. GRCh37 (hg19) VCF-style: chr10-104375122-A-G.
Other names: c.1120A>G, p.Asn374Asp (NM_001178133.2); short protein forms N374D.
Identifiers: ClinVar variation 1417929 (VCV001417929.6), dbSNP rs2063674917, ClinGen allele CA377914341.